The following is an entry in ClinVar:

ClinVar aggregate classification (germline): Benign. Review status: criteria provided, multiple submitters, no conflicts (2 of 4 stars). 2 submissions from 2 submitters: Benign (2). Last evaluated 2018-06-14.

Allele frequency attached by ClinVar (database versions not stated): gnomAD 0.63143 and 0.64739; 1000 Genomes Project 30x 0.68114; TOPMed 0.63763; 1000 Genomes Project 0.69469.
gnomAD v4.1: 98,752 of 151,978 alleles (65%); highest among the groups gnomAD compares: East Asian, 97%; 35,929 homozygotes.

Submissions (2):

GeneDx
Classification: Benign. Last evaluated: 2018-06-14. Review status: criteria provided, single submitter. Criteria: GeneDx Variant Classification (06012015). Collection method: clinical testing. Allele origin: germline. Affected: yes.
Comment: This variant is considered likely benign or benign based on one or more of the following criteria: it is a conservative change, it occurs at a poorly conserved position in the protein, it is predicted to be benign by multiple in silico algorithms, and/or has population frequency not consistent with disease.

Breakthrough Genomics
Classification: Benign. Review status: criteria provided, single submitter. Criteria: ACMG Guidelines, 2015. Collection method: not provided. Allele origin: germline. Inheritance: Autosomal recessive inheritance. Affected: yes.

NM_206926.2(SELENON):c.1285+161G>A

Gene: SELENON (selenoprotein N; plus strand). Cytogenetic location: 1p36.11.
Variant type: single nucleotide variant.
Coding change: c.1285+161G>A on transcript NM_206926.2 (MANE Select); 161 bases into the intron after coding-DNA position 1285, G replaced by A.
Molecular consequence: intron variant.
Genome position (GRCh38, 1-based): chr1:25,812,953, G>A. VCF-style: chr1-25812953-G-A. GRCh37 (hg19) VCF-style: chr1-26139444-G-A.
Other names: c.1387+161G>A (NM_020451.3).
Identifiers: ClinVar variation 669835 (VCV000669835.2), dbSNP rs10751726, ClinGen allele CA10947455.